The following is an entry in ClinVar:

ClinVar aggregate classification (germline): Uncertain significance (1 of 4 stars; one submission).

Conditions:
Beta-D-mannosidosis (MANSB). Also called: MANNOSIDOSIS, BETA A, LYSOSOMAL; BETA-MANNOSIDASE DEFICIENCY; LYSOSOMAL BETA-MANNOSIDASE DEFICIENCY; Beta-Mannosidosis. Identifiers: Orphanet 118, MedGen C4048196, MONDO:0009562, OMIM 248510.

Allele frequency attached by ClinVar (database versions not stated): gnomAD 0.00001; gnomAD exomes below 0.00001 and 0.00001; TOPMed 0.00001.
gnomAD v4.1: 5 of 1,613,518 alleles (0.00031%); highest among the groups gnomAD compares: Non-Finnish European, 0.00042%; no homozygotes.

Submission:

Labcorp Genetics (formerly Invitae), Labcorp
Classification: Uncertain significance for Beta-D-mannosidosis. Last evaluated: 2021-08-07. Review status: criteria provided, single submitter. Criteria: Invitae Variant Classification Sherloc (09022015). Collection method: clinical testing. Allele origin: germline.
Comment: This sequence change replaces valine with isoleucine at codon 824 of the MANBA protein (p.Val824Ile). The valine residue is moderately conserved and there is a small physicochemical difference between valine and isoleucine. This variant is not present in population databases (ExAC no frequency). This variant has not been reported in the literature in individuals affected with MANBA-related conditions. Algorithms developed to predict the effect of missense changes on protein structure and function output the following: SIFT: "Tolerated"; PolyPhen-2: "Benign"; Align-GVGD: "Class C0". The isoleucine amino acid residue is found in multiple mammalian species, which suggests that this missense change does not adversely affect protein function. In summary, the available evidence is currently insufficient to determine the role of this variant in disease. Therefore, it has been classified as a Variant of Uncertain Significance.

NM_005908.4(MANBA):c.2470G>A (p.Val824Ile)

Gene: MANBA (mannosidase beta; minus strand). Cytogenetic location: 4q24.
Variant type: single nucleotide variant.
Coding change: c.2470G>A on transcript NM_005908.4 (MANE Select); coding-DNA position 2470, G replaced by A.
Protein change: p.Val824Ile; replaces valine 824 with isoleucine.
Molecular consequence: missense variant.
Genome position (GRCh38, 1-based): chr4:102,632,227, C>T on the plus strand (G>A on the coding strand, the complement: MANBA is on the minus strand). VCF-style: chr4-102632227-C-T. GRCh37 (hg19) VCF-style: chr4-103553384-C-T.
Other names: short protein forms V824I.
Identifiers: ClinVar variation 1407397 (VCV001407397.3), dbSNP rs1246857426, ClinGen allele CA357756409.
Genomic context (GRCh38, chr4:102,632,227, plus strand): 5'-AACCATTGTCACTAAATCTCCCTGGGATGCTTCCTACATCCAACCAAACAAAGGGAGCGA[C>T]AGCTGAGGTCTCCAGGTCAAAAACAAATATGTCACCTTGCTGAGAGATGATGGCCTGAAA-3'
Protein context (NP_005899.3, residues 814-834): IFVFDLETSA[Val824Ile]APFVWLDVGS